The following is an entry in ClinVar:

NM_144988.4(ALG14):c.191C>T (p.Ser64Leu)

Genes: ALG14 (ALG14 UDP-N-acetylglucosaminyltransferase subunit; minus strand), ALG14-AS1 (ALG14 antisense RNA 1; plus strand). Cytogenetic location: 1p21.3.
Variant type: single nucleotide variant.
Coding change: c.191C>T on transcript NM_144988.4 (MANE Select); coding-DNA position 191, C replaced by T.
Protein change: p.Ser64Leu; replaces serine 64 with leucine.
Molecular consequence: missense variant.
Genome position (GRCh38, 1-based): chr1:95,064,963, G>A on the plus strand (C>T on the coding strand, the complement: ALG14 is on the minus strand). VCF-style: chr1-95064963-G-A. GRCh37 (hg19) VCF-style: chr1-95530519-G-A.
Other names: c.191C>T, p.Ser64Leu (NM_001305242.2); short protein forms S64L.
Identifiers: ClinVar variation 1047475 (VCV001047475.8), dbSNP rs753195443, ClinGen allele CA27228974.
Genomic context (GRCh38, chr1:95,064,963, plus strand): 5'-AAAGAATTTATTTTATTGGCACTCATTTCATCAGTGTCAGCAATGACATAATGTCTAGGT[G>A]AGTAGGCATTGGACAAGCTCCCAAGCAGCCTCAGGATCTCAGTGGTATGCCCACCTGGAA-3'
Protein context (NP_659425.1, residues 54-74): RLLGSLSNAY[Ser64Leu]PRHYVIADTD

ClinVar aggregate classification (germline): Uncertain significance (1 of 4 stars; one submission).

Conditions:
Congenital myasthenic syndrome 15. Also called: Myasthenic syndrome, congenital, 15, without tubular aggregates. Identifiers: Orphanet 353327, Orphanet 590, MedGen C4015596, MONDO:0014542, OMIM 616227.

Allele frequency attached by ClinVar (database versions not stated): gnomAD exomes 0.00001.
gnomAD v4.1: 5 of 1,613,754 alleles (0.00031%); highest among the groups gnomAD compares: Non-Finnish European, 0.00034%; no homozygotes.

Submission:

Labcorp Genetics (formerly Invitae), Labcorp
Classification: Uncertain significance for Congenital myasthenic syndrome 15. Last evaluated: 2022-06-20. Review status: criteria provided, single submitter. Criteria: Invitae Variant Classification Sherloc (09022015). Collection method: clinical testing. Allele origin: germline.
Comment: In summary, the available evidence is currently insufficient to determine the role of this variant in disease. Therefore, it has been classified as a Variant of Uncertain Significance. This sequence change replaces serine, which is neutral and polar, with leucine, which is neutral and non-polar, at codon 64 of the ALG14 protein (p.Ser64Leu). This variant is present in population databases (rs753195443, gnomAD 0.0009%). This variant has not been reported in the literature in individuals affected with ALG14-related conditions. ClinVar contains an entry for this variant (Variation ID: 1047475). Algorithms developed to predict the effect of missense changes on protein structure and function (SIFT, PolyPhen-2, Align-GVGD) all suggest that this variant is likely to be tolerated.